The following is an entry in ClinVar:

ClinVar aggregate classification (germline): Uncertain significance. Review status: criteria provided, multiple submitters, no conflicts (2 of 4 stars). 3 submissions from 3 submitters: Uncertain significance (3). Last evaluated 2025-12-02.

Conditions:
Inborn genetic diseases. Identifiers: MedGen C0950123, MeSH D030342.
Vesicoureteral reflux 2 (VUR2). Identifiers: Orphanet 289365, MedGen C1970483, MONDO:0012573, OMIM 610878.

gnomAD v4.1: 13 of 1,614,144 alleles (0.00081%); highest among the groups gnomAD compares: Admixed American, 0.02%; no homozygotes.

Submissions (3):

Labcorp Genetics (formerly Invitae), Labcorp
Classification: Uncertain significance. Last evaluated: 2025-12-02. Review status: criteria provided, single submitter. Criteria: Invitae Variant Classification Sherloc (09022015). Collection method: clinical testing. Allele origin: germline.
Comment: This sequence change replaces threonine, which is neutral and polar, with isoleucine, which is neutral and non-polar, at codon 992 of the ROBO2 protein (p.Thr992Ile). This variant is present in population databases (rs774841364, gnomAD 0.03%). This variant has not been reported in the literature in individuals affected with ROBO2-related conditions. ClinVar contains an entry for this variant (Variation ID: 3589588). Invitae Evidence Modeling of protein sequence and biophysical properties (such as structural, functional, and spatial information, amino acid conservation, physicochemical variation, residue mobility, and thermodynamic stability) indicates that this missense variant is not expected to disrupt ROBO2 protein function with a negative predictive value of 95%. In summary, the available evidence is currently insufficient to determine the role of this variant in disease. Therefore, it has been classified as a Variant of Uncertain Significance.

Ambry Genetics
Classification: Uncertain significance for Inborn genetic diseases. Last evaluated: 2025-01-23. Review status: criteria provided, single submitter. Criteria: Ambry Variant Classification Scheme 2023. Collection method: clinical testing. Allele origin: germline.

Fulgent Genetics
Classification: Uncertain significance for Vesicoureteral reflux 2. Last evaluated: 2024-05-06. Review status: criteria provided, single submitter. Criteria: ACMG Guidelines, 2015. Collection method: clinical testing. Allele origin: germline.

NM_001395656.1(ROBO2):c.2987C>T (p.Thr996Ile)

Gene: ROBO2 (roundabout guidance receptor 2; plus strand). Cytogenetic location: 3p12.3.
Variant type: single nucleotide variant.
Coding change: c.2987C>T on transcript NM_001395656.1 (MANE Select); coding-DNA position 2987, C replaced by T.
Protein change: p.Thr996Ile; replaces threonine 996 with isoleucine.
Molecular consequence: missense variant.
Genome position (GRCh38, 1-based): chr3:77,602,330, C>T. VCF-style: chr3-77602330-C-T. GRCh37 (hg19) VCF-style: chr3-77651481-C-T.
Other names: c.2975C>T (NM_002942.4); c.3023C>T, p.Thr1008Ile (NM_001128929.3); c.2987C>T, p.Thr996Ile (NM_001290039.2, NM_001290040.2, NM_001378202.1); c.1196C>T, p.Thr399Ile (NM_001290065.2); c.3035C>T, p.Thr1012Ile (NM_001378190.1, NM_001378191.1, NM_001378195.1 and 4 more transcripts); c.3056C>T, p.Thr1019Ile (NM_001378192.1, NM_001378194.1, NM_001378198.1 and 2 more transcripts); c.2975C>T, p.Thr992Ile (NM_001378193.1, NM_001378197.1, NM_002942.5); c.3044C>T, p.Thr1015Ile (NM_001394212.1, NM_001394214.1, NM_001395657.1); short protein forms T1012I, T996I, T1015I, T1019I, T399I, T1008I, T992I.
Identifiers: ClinVar variation 3589588 (VCV003589588.3).